The following is an entry in ClinVar:

ClinVar aggregate classification (germline): Uncertain significance. Review status: criteria provided, multiple submitters, no conflicts (2 of 4 stars). 3 submissions from 3 submitters: Uncertain significance (3). Last evaluated 2026-09-11.

Conditions:
Cardiovascular phenotype. Identifiers: MedGen CN230736.
Dilated cardiomyopathy 1HH (CMD1HH). Identifiers: Orphanet 154, MedGen C3151293, MONDO:0013479, OMIM 613881.
Myofibrillar myopathy 6. Identifiers: Orphanet 199340, MedGen C2751831, MONDO:0013061, OMIM 612954.

Allele frequency attached by ClinVar (database versions not stated): gnomAD exomes below 0.00001.
gnomAD v4.1: 4 of 1,614,154 alleles (0.00025%); highest among the groups gnomAD compares: Admixed American, 0.005%; no homozygotes.

Submissions (3):

Ambry Genetics
Classification: Uncertain significance for Cardiovascular phenotype. Last evaluated: 2026-09-11. Review status: criteria provided, single submitter. Criteria: Ambry Variant Classification Scheme 2023. Collection method: clinical testing. Allele origin: germline.
Comment: The p.K534R variant (also known as c.1601A>G), located in coding exon 4 of the BAG3 gene, results from an A to G substitution at nucleotide position 1601. The lysine at codon 534 is replaced by arginine, an amino acid with highly similar properties. This amino acid position is conserved. In addition, this alteration is predicted to be tolerated by in silico analysis. Based on the available evidence, the clinical significance of this variant remains unclear.

Blueprint Genetics
Classification: Uncertain significance. Last evaluated: 2024-11-04. Review status: criteria provided, single submitter. Criteria: ACMG Guidelines, 2015. Collection method: clinical testing. Allele origin: germline.

Labcorp Genetics (formerly Invitae), Labcorp
Classification: Uncertain significance for Dilated cardiomyopathy 1HH; Myofibrillar myopathy 6. Last evaluated: 2022-03-17. Review status: criteria provided, single submitter. Criteria: Invitae Variant Classification Sherloc (09022015). Collection method: clinical testing. Allele origin: germline.
Comment: This variant has not been reported in the literature in individuals affected with BAG3-related conditions. This sequence change replaces lysine, which is basic and polar, with arginine, which is basic and polar, at codon 534 of the BAG3 protein (p.Lys534Arg). This variant is not present in population databases (gnomAD no frequency). Algorithms developed to predict the effect of missense changes on protein structure and function are either unavailable or do not agree on the potential impact of this missense change (SIFT: "Tolerated"; PolyPhen-2: "Not Available"; Align-GVGD: "Class C0"). In summary, the available evidence is currently insufficient to determine the role of this variant in disease. Therefore, it has been classified as a Variant of Uncertain Significance.

NM_004281.4(BAG3):c.1601A>G (p.Lys534Arg)

Gene: BAG3 (BAG cochaperone 3; plus strand). Cytogenetic location: 10q26.11.
Variant type: single nucleotide variant.
Coding change: c.1601A>G on transcript NM_004281.4 (MANE Select); coding-DNA position 1601, A replaced by G.
Protein change: p.Lys534Arg; replaces lysine 534 with arginine.
Molecular consequence: missense variant.
Genome position (GRCh38, 1-based): chr10:119,677,155, A>G. VCF-style: chr10-119677155-A-G. GRCh37 (hg19) VCF-style: chr10-121436667-A-G.
Other names: c.1601A>G (NM_004281.3); short protein forms K534R.
Identifiers: ClinVar variation 1407555 (VCV001407555.11), dbSNP rs2134069486, ClinGen allele CA378297673.